The following is an entry in ClinVar:

NM_000384.3(APOB):c.3767A>G (p.Asn1256Ser)

Gene: APOB (apolipoprotein B; minus strand). Cytogenetic location: 2p24.1.
Variant type: single nucleotide variant.
Coding change: c.3767A>G on transcript NM_000384.3 (MANE Select); coding-DNA position 3767, A replaced by G.
Protein change: p.Asn1256Ser; replaces asparagine 1256 with serine.
Molecular consequence: missense variant.
Genome position (GRCh38, 1-based): chr2:21,014,523, T>C on the plus strand (A>G on the coding strand, the complement: APOB is on the minus strand). VCF-style: chr2-21014523-T-C. GRCh37 (hg19) VCF-style: chr2-21237395-T-C.
Other names: short protein forms N1256S.
Identifiers: ClinVar variation 2922484 (VCV002922484.4), dbSNP rs768113302, ClinGen allele CA43513073.

ClinVar aggregate classification (germline): Conflicting classifications of pathogenicity. Review status: criteria provided, conflicting classifications (1 of 4 stars). 2 submissions from 2 submitters: Uncertain significance (1); Likely benign (1). Last evaluated 2026-04-30.

Conditions:
Cardiovascular phenotype. Identifiers: MedGen CN230736.
Familial hypobetalipoproteinemia 1. Also called: Hypobetalipoproteinemia, normotriglyceridemic; Acanthocytosis with hypobetalipoproteinemia; APOB-Related Familial Hypobetalipoproteinemia. Identifiers: MedGen C4551990, MONDO:0014252, OMIM 615558.
Hypercholesterolemia, autosomal dominant, type B (FHCL2). Also called: Familial hypercholesterolemia 2; Familial Hypercholesterolemia Type B; APOLIPOPROTEIN B-100, FAMILIAL DEFECTIVE; APOLIPOPROTEIN B-100, FAMILIAL LIGAND-DEFECTIVE; APOB-Related Familial Hypercholesterolemia, Autosomal Dominant; HYPERCHOLESTEROLEMIA, FAMILIAL, DUE TO LIGAND-DEFECTIVE APOLIPOPROTEIN B. Identifiers: MedGen C1704417, MONDO:0007751, OMIM 144010.

Allele frequency attached by ClinVar (database versions not stated): gnomAD 0.00001; gnomAD exomes 0.00002; TOPMed 0.00002 and 0.00003.
gnomAD v4.1: 26 of 1,614,026 alleles (0.0016%); highest among the groups gnomAD compares: Non-Finnish European, 0.002%; no homozygotes.

Submissions (2):

Ambry Genetics
Classification: Likely benign for Cardiovascular phenotype. Last evaluated: 2026-04-30. Review status: criteria provided, single submitter. Criteria: Ambry Variant Classification Scheme 2023. Collection method: clinical testing. Allele origin: germline.

Labcorp Genetics (formerly Invitae), Labcorp
Classification: Uncertain significance for Familial hypobetalipoproteinemia 1; Hypercholesterolemia, autosomal dominant, type B. Last evaluated: 2023-05-31. Review status: criteria provided, single submitter. Criteria: Invitae Variant Classification Sherloc (09022015). Collection method: clinical testing. Allele origin: germline.
Comment: This sequence change replaces asparagine, which is neutral and polar, with serine, which is neutral and polar, at codon 1256 of the APOB protein (p.Asn1256Ser). This variant is not present in population databases (gnomAD no frequency). In summary, the available evidence is currently insufficient to determine the role of this variant in disease. Therefore, it has been classified as a Variant of Uncertain Significance. Advanced modeling of protein sequence and biophysical properties (such as structural, functional, and spatial information, amino acid conservation, physicochemical variation, residue mobility, and thermodynamic stability) performed at Invitae indicates that this missense variant is not expected to disrupt APOB protein function. ClinVar contains an entry for this variant (Variation ID: 926667). This variant has not been reported in the literature in individuals affected with APOB-related conditions.